The following is an entry in ClinVar:

NM_020631.6(PLEKHG5):c.27C>T (p.Phe9=)

Genes: PLEKHG5 (pleckstrin homology and RhoGEF domain containing G5; minus strand), LOC126805598 (MED14-independent group 3 enhancer GRCh37_chr1:6536823-6538022; plus strand). Cytogenetic location: 1p36.31.
Variant type: single nucleotide variant.
Coding change: c.27C>T on transcript NM_020631.6 (MANE Select); coding-DNA position 27, C replaced by T.
Protein change: p.Phe9=; no amino-acid change (phenylalanine 9 retained).
Molecular consequence: synonymous variant.
Genome position (GRCh38, 1-based): chr1:6,477,545, G>A on the plus strand (C>T on the coding strand, the complement: PLEKHG5 is on the minus strand). VCF-style: chr1-6477545-G-A. GRCh37 (hg19) VCF-style: chr1-6537605-G-A.
Other names: c.27C>T (NM_020631.4); c.138C>T, p.Phe46= (NM_001042663.3, NM_001265592.2); c.27C>T, p.Phe9= (NM_001042664.2, NM_001042665.2, NM_001265594.3 and 1 more transcripts); c.234C>T, p.Phe78= (NM_001265593.2).
Identifiers: ClinVar variation 2107394 (VCV002107394.5), dbSNP rs756428852, ClinGen allele CA562042.
Genomic context (GRCh38, chr1:6,477,545, plus strand): 5'-ACAGGAGCTCTGGGGGCCGAGCTGCGGCTCCCGCCTGTGCTCACCTTGTGGGGGAAGGTC[G>A]AAGCGGACATGCCCATCATAATGCATGGTGCTGTGGAACTTGCTGTCACAGGCCTCGCAG-3'
Protein context (NP_065682.2, residues 1-19): MHYDGHVR[Phe9=]DLPPQGSVLA

ClinVar aggregate classification (germline): Likely benign. Review status: criteria provided, multiple submitters, no conflicts (2 of 4 stars). 2 submissions from 2 submitters: Likely benign (2). Last evaluated 2026-04-07.

Conditions:
PLEKHG5-related disorder. Also called: PLEKHG5-related condition.
Neuronopathy, distal hereditary motor, autosomal recessive 4. Also called: NEUROPATHY, DISTAL HEREDITARY MOTOR, AUTOSOMAL RECESSIVE 4; Autosomal recessive lower motor neuron disease with childhood onset. Identifiers: Orphanet 206580, MedGen C1970211, MONDO:0012608, OMIM 611067.
Charcot-Marie-Tooth disease recessive intermediate C. Also called: CHARCOT-MARIE-TOOTH NEUROPATHY, RECESSIVE INTERMEDIATE C. Identifiers: Orphanet 369867, MedGen C3809309, MONDO:0014154, OMIM 615376.

Allele frequency attached by ClinVar (database versions not stated): gnomAD 0.00001; ExAC 0.00002; TOPMed 0.00002; gnomAD exomes 0.00003.
gnomAD v4.1: 41 of 1,612,120 alleles (0.0025%); highest among the groups gnomAD compares: Middle Eastern, 0.033%; no homozygotes.

Submissions (2):

PreventionGenetics, part of Exact Sciences
Classification: Likely benign for PLEKHG5-related condition. Last evaluated: 2026-04-07. Review status: criteria provided, single submitter. Criteria: ACMG Guidelines, 2015. Collection method: clinical testing. Allele origin: germline.
Comment: This variant is classified as likely benign based on ACMG/AMP sequence variant interpretation guidelines (Richards et al. 2015 PMID: 25741868, with internal and published modifications).

Labcorp Genetics (formerly Invitae), Labcorp
Classification: Likely benign for Neuronopathy, distal hereditary motor, autosomal recessive 4; Charcot-Marie-Tooth disease recessive intermediate C. Last evaluated: 2026-01-12. Review status: criteria provided, single submitter. Criteria: Invitae Variant Classification Sherloc (09022015). Collection method: clinical testing. Allele origin: germline.